The following is an entry in ClinVar:

NM_003896.4(ST3GAL5):c.856T>A (p.Trp286Arg)

Gene: ST3GAL5 (ST3 beta-galactoside alpha-2,3-sialyltransferase 5; minus strand). Cytogenetic location: 2p11.2.
Variant type: single nucleotide variant.
Coding change: c.856T>A on transcript NM_003896.4 (MANE Select); coding-DNA position 856, T replaced by A.
Protein change: p.Trp286Arg; replaces tryptophan 286 with arginine.
Molecular consequence: missense variant. On other transcripts: intron variant (1).
Genome position (GRCh38, 1-based): chr2:85,844,548, A>T on the plus strand (T>A on the coding strand, the complement: ST3GAL5 is on the minus strand). VCF-style: chr2-85844548-A-T. GRCh37 (hg19) VCF-style: chr2-86071671-A-T.
Other names: c.787T>A, p.Trp263Arg (NM_001042437.2); c.472T>A, p.Trp158Arg (NM_001354223.2, NM_001354224.2, NM_001354226.2 and 3 more transcripts); c.772T>A, p.Trp258Arg (NM_001354227.2, NM_001354229.2, NM_001354238.1); c.133T>A, p.Trp45Arg (NM_001354247.1); c.849+1829T>A (NM_001363847.1); short protein forms W286R, W258R, W45R, W158R, W263R.
Identifiers: ClinVar variation 580526 (VCV000580526.6), dbSNP rs570665646, ClinGen allele CA1744957.

ClinVar aggregate classification (germline): Uncertain significance (1 of 4 stars; one submission).

Conditions:
GM3 synthase deficiency (SPDRS). Also called: SALT AND PEPPER MENTAL RETARDATION SYNDROME; SALT AND PEPPER DEVELOPMENTAL REGRESSION SYNDROME; AMISH INFANTILE EPILEPSY SYNDROME. Identifiers: Orphanet 171714, Orphanet 370933, MedGen C1836824, MONDO:0018274, OMIM 609056.

Allele frequency attached by ClinVar (database versions not stated): gnomAD exomes below 0.00001; ExAC 0.00001; gnomAD 0.00004; TOPMed 0.00005; 1000 Genomes Project 30x 0.00016; 1000 Genomes Project 0.00020.
gnomAD v4.1: 7 of 1,614,144 alleles (0.00043%); highest among the groups gnomAD compares: Admixed American, 0.01%; no homozygotes.

Submission:

Labcorp Genetics (formerly Invitae), Labcorp
Classification: Uncertain significance for GM3 synthase deficiency. Last evaluated: 2022-08-09. Review status: criteria provided, single submitter. Criteria: Invitae Variant Classification Sherloc (09022015). Collection method: clinical testing. Allele origin: germline.
Comment: This sequence change replaces tryptophan, which is neutral and slightly polar, with arginine, which is basic and polar, at codon 286 of the ST3GAL5 protein (p.Trp286Arg). This variant is present in population databases (rs570665646, gnomAD 0.003%). This variant has not been reported in the literature in individuals affected with ST3GAL5-related conditions. ClinVar contains an entry for this variant (Variation ID: 580526). Algorithms developed to predict the effect of missense changes on protein structure and function (SIFT, PolyPhen-2, Align-GVGD) all suggest that this variant is likely to be disruptive. Algorithms developed to predict the effect of sequence changes on RNA splicing suggest that this variant may create or strengthen a splice site. In summary, the available evidence is currently insufficient to determine the role of this variant in disease. Therefore, it has been classified as a Variant of Uncertain Significance.